The following is an entry in ClinVar:

ClinVar aggregate classification (germline): Uncertain significance (1 of 4 stars; one submission).

Submission:

Labcorp Genetics (formerly Invitae), Labcorp
Classification: Uncertain significance. Last evaluated: 2021-09-21. Review status: criteria provided, single submitter. Criteria: Invitae Variant Classification Sherloc (09022015). Collection method: clinical testing. Allele origin: germline.
Comment: This sequence change replaces threonine with alanine at codon 3190 of the LRP2 protein (p.Thr3190Ala). The threonine residue is weakly conserved and there is a small physicochemical difference between threonine and alanine. This variant is not present in population databases (ExAC no frequency). This variant has not been reported in the literature in individuals affected with LRP2-related conditions. Advanced modeling of protein sequence and biophysical properties (such as structural, functional, and spatial information, amino acid conservation, physicochemical variation, residue mobility, and thermodynamic stability) performed at Invitae indicates that this missense variant is not expected to disrupt LRP2 protein function. In summary, the available evidence is currently insufficient to determine the role of this variant in disease. Therefore, it has been classified as a Variant of Uncertain Significance.

NM_004525.3(LRP2):c.9568A>G (p.Thr3190Ala)

Gene: LRP2 (LDL receptor related protein 2; minus strand). Cytogenetic location: 2q31.1.
Variant type: single nucleotide variant.
Coding change: c.9568A>G on transcript NM_004525.3 (MANE Select); coding-DNA position 9568, A replaced by G.
Protein change: p.Thr3190Ala; replaces threonine 3190 with alanine.
Molecular consequence: missense variant.
Genome position (GRCh38, 1-based): chr2:169,185,780, T>C on the plus strand (A>G on the coding strand, the complement: LRP2 is on the minus strand). VCF-style: chr2-169185780-T-C. GRCh37 (hg19) VCF-style: chr2-170042290-T-C.
Other names: short protein forms T3190A.
Identifiers: ClinVar variation 1354643 (VCV001354643.3), dbSNP rs766602307, ClinGen allele CA349154076.